The following is an entry in ClinVar:

ClinVar aggregate classification (germline): Uncertain significance. Review status: criteria provided, multiple submitters, no conflicts (2 of 4 stars). 2 submissions from 2 submitters: Uncertain significance (2). Last evaluated 2026-05-14.

Allele frequency attached by ClinVar (database versions not stated): TOPMed 0.00002; gnomAD 0.00004; gnomAD exomes 0.00005.
gnomAD v4.1: 61 of 1,202,790 alleles (0.0051%); highest among the groups gnomAD compares: Non-Finnish European, 0.0062%; no homozygotes.

Submissions (2):

Ambry Genetics
Classification: Uncertain significance. Last evaluated: 2026-05-14. Review status: criteria provided, single submitter. Criteria: Ambry Variant Classification Scheme 2023. Collection method: clinical testing. Allele origin: germline.

Labcorp Genetics (formerly Invitae), Labcorp
Classification: Uncertain significance. Last evaluated: 2022-05-15. Review status: criteria provided, single submitter. Criteria: Invitae Variant Classification Sherloc (09022015). Collection method: clinical testing. Allele origin: germline.
Comment: This sequence change replaces aspartic acid, which is acidic and polar, with asparagine, which is neutral and polar, at codon 63 of the NXN protein (p.Asp63Asn). The frequency data for this variant in the population databases is considered unreliable, as metrics indicate poor data quality at this position in the gnomAD database. This variant has not been reported in the literature in individuals affected with NXN-related conditions. Algorithms developed to predict the effect of missense changes on protein structure and function (SIFT, PolyPhen-2, Align-GVGD) all suggest that this variant is likely to be tolerated. In summary, the available evidence is currently insufficient to determine the role of this variant in disease. Therefore, it has been classified as a Variant of Uncertain Significance.

NM_022463.5(NXN):c.187G>A (p.Asp63Asn)

Gene: NXN (nucleoredoxin; minus strand). Cytogenetic location: 17p13.3.
Variant type: single nucleotide variant.
Coding change: c.187G>A on transcript NM_022463.5 (MANE Select); coding-DNA position 187, G replaced by A.
Protein change: p.Asp63Asn; replaces aspartic acid 63 with asparagine.
Molecular consequence: missense variant.
Genome position (GRCh38, 1-based): chr17:979,492, C>T on the plus strand (G>A on the coding strand, the complement: NXN is on the minus strand). VCF-style: chr17-979492-C-T. GRCh37 (hg19) VCF-style: chr17-882732-C-T.
Other names: c.187G>A (NM_022463.4); short protein forms D63N.
Identifiers: ClinVar variation 1376645 (VCV001376645.4), dbSNP rs1348248332, ClinGen allele CA397511682.